The following is an entry in ClinVar:

ClinVar aggregate classification (germline): Uncertain significance (1 of 4 stars; one submission).

Submission:

CeGaT Center for Human Genetics Tuebingen
Classification: Uncertain significance. Last evaluated: 2023-10-01. Review status: criteria provided, single submitter. Criteria: CeGaT Center For Human Genetics Tuebingen Variant Classification Criteria Version 2. Collection method: clinical testing. Allele origin: germline. Affected: yes. Observed: 1 variant allele.
Comment: EPG5: PM2

NM_020964.3(EPG5):c.3994G>A (p.Asp1332Asn)

Gene: EPG5 (ectopic P-granules 5 autophagy tethering factor; minus strand). Cytogenetic location: 18q21.1.
Variant type: single nucleotide variant.
Coding change: c.3994G>A on transcript NM_020964.3 (MANE Select); coding-DNA position 3994, G replaced by A.
Protein change: p.Asp1332Asn; replaces aspartic acid 1332 with asparagine.
Molecular consequence: missense variant.
Genome position (GRCh38, 1-based): chr18:45,910,732, C>T on the plus strand (G>A on the coding strand, the complement: EPG5 is on the minus strand). VCF-style: chr18-45910732-C-T. GRCh37 (hg19) VCF-style: chr18-43490697-C-T.
Other names: c.3994G>A, p.Asp1332Asn (NM_001410858.1, NM_001410859.1); short protein forms D1332N.
Identifiers: ClinVar variation 2648699 (VCV002648699.24), dbSNP rs2511778297, ClinGen allele CA402340312.